The following is an entry in ClinVar:

NM_000051.4(ATM):c.3722A>G (p.Tyr1241Cys)

Gene: ATM (ATM serine/threonine kinase; plus strand). Cytogenetic location: 11q22.3.
Variant type: single nucleotide variant.
Coding change: c.3722A>G on transcript NM_000051.4 (MANE Select); coding-DNA position 3722, A replaced by G.
Protein change: p.Tyr1241Cys; replaces tyrosine 1241 with cysteine.
Molecular consequence: missense variant.
Genome position (GRCh38, 1-based): chr11:108,282,855, A>G. VCF-style: chr11-108282855-A-G. GRCh37 (hg19) VCF-style: chr11-108153582-A-G.
Other names: p.Tyr1241Cys; c.3722A>G, p.Tyr1241Cys (NM_001351834.2); short protein forms Y1241C.
Identifiers: ClinVar variation 824124 (VCV000824124.17), dbSNP rs587782688, ClinGen allele CA382523763.

ClinVar aggregate classification (germline): Uncertain significance. Review status: criteria provided, multiple submitters, no conflicts (2 of 4 stars). 4 submissions from 4 submitters: Uncertain significance (3). 1 of the submissions does not count toward it. Last evaluated 2025-02-07.

Conditions:
Ataxia-telangiectasia syndrome (AT). Also called: ATAXIA-TELANGIECTASIA, COMPLEMENTATION GROUP A; ATAXIA-TELANGIECTASIA, FRESNO VARIANT; Ataxia-telangiectasia, complementation group E; Ataxia telangiectasia (A-T); LOUIS-BAR SYNDROME; Cerebello-oculocutaneous telangiectasia. Identifiers: Orphanet 100, MedGen C0004135, MONDO:0008840, OMIM 208900.
Hereditary cancer-predisposing syndrome. Also called: Neoplastic Syndromes, Hereditary; Hereditary Cancer Syndrome; Hereditary neoplastic syndrome; Tumor predisposition. Identifiers: Orphanet 140162, MedGen C0027672, MeSH D009386, MONDO:0015356.

Submissions (4):

Mayo Clinic Laboratories, Mayo Clinic
Classification: Uncertain significance. Last evaluated: 2025-02-07. Review status: criteria provided, single submitter. Criteria: ACMG Guidelines, 2015. Collection method: clinical testing. Allele origin: germline. Observed: 1 variant allele.
Comment: BP4, PM2_supporting

Ambry Genetics
Classification: Uncertain significance for Hereditary cancer-predisposing syndrome. Last evaluated: 2023-05-10. Review status: criteria provided, single submitter. Criteria: Ambry Variant Classification Scheme 2023. Collection method: clinical testing. Allele origin: germline.
Comment: The p.Y1241C variant (also known as c.3722A>G), located in coding exon 24 of the ATM gene, results from an A to G substitution at nucleotide position 3722. The tyrosine at codon 1241 is replaced by cysteine, an amino acid with highly dissimilar properties. This amino acid position is well conserved in available vertebrate species. In addition, this alteration is predicted to be tolerated by in silico analysis. Since supporting evidence is limited at this time, the clinical significance of this alteration remains unclear.

Labcorp Genetics (formerly Invitae), Labcorp
Classification: Uncertain significance for Ataxia-telangiectasia syndrome. Last evaluated: 2022-01-28. Review status: criteria provided, single submitter. Criteria: Invitae Variant Classification Sherloc (09022015). Collection method: clinical testing. Allele origin: germline.
Comment: This sequence change replaces tyrosine, which is neutral and polar, with cysteine, which is neutral and slightly polar, at codon 1241 of the ATM protein (p.Tyr1241Cys). This variant is not present in population databases (gnomAD no frequency). This variant has not been reported in the literature in individuals affected with ATM-related conditions. ClinVar contains an entry for this variant (Variation ID: 824124). Advanced modeling of protein sequence and biophysical properties (such as structural, functional, and spatial information, amino acid conservation, physicochemical variation, residue mobility, and thermodynamic stability) performed at Invitae indicates that this missense variant is not expected to disrupt ATM protein function. In summary, the available evidence is currently insufficient to determine the role of this variant in disease. Therefore, it has been classified as a Variant of Uncertain Significance.

Natera, Inc.
Classification: Uncertain significance for Ataxia-telangiectasia. Last evaluated: 2021-09-22. Review status: no assertion criteria provided. Collection method: clinical testing. Allele origin: germline. Not counted in ClinVar's aggregate classification.